The following is an entry in ClinVar:

NM_014712.3(SETD1A):c.2196A>G (p.Leu732=)

Gene: SETD1A (SET domain containing 1A, histone lysine methyltransferase; plus strand). Cytogenetic location: 16p11.2.
Variant type: single nucleotide variant.
Coding change: c.2196A>G on transcript NM_014712.3 (MANE Select); coding-DNA position 2196, A replaced by G.
Protein change: p.Leu732=; no amino-acid change (leucine 732 retained).
Molecular consequence: synonymous variant.
Genome position (GRCh38, 1-based): chr16:30,966,077, A>G. VCF-style: chr16-30966077-A-G. GRCh37 (hg19) VCF-style: chr16-30977398-A-G.
Identifiers: ClinVar variation 2646436 (VCV002646436.24), dbSNP rs201876288, ClinGen allele CA8016872.

ClinVar aggregate classification (germline): Likely benign (1 of 4 stars; one submission).

Allele frequency attached by ClinVar (database versions not stated): gnomAD 0.00001; gnomAD exomes 0.00002; TOPMed 0.00003; ExAC 0.00004; 1000 Genomes Project 0.00020; 1000 Genomes Project 30x 0.00031.
gnomAD v4.1: 28 of 1,588,218 alleles (0.0018%); highest among the groups gnomAD compares: East Asian, 0.029%; no homozygotes.

Submission:

CeGaT Center for Human Genetics Tuebingen
Classification: Likely benign. Last evaluated: 2023-03-01. Review status: criteria provided, single submitter. Criteria: CeGaT Center For Human Genetics Tuebingen Variant Classification Criteria Version 2. Collection method: clinical testing. Allele origin: germline. Affected: yes. Observed: 1 variant allele.
Comment: SETD1A: BP4, BP7